The following is an entry in ClinVar:

NM_007078.3(LDB3):c.689+10G>A

Gene: LDB3 (LIM domain binding 3; plus strand). Cytogenetic location: 10q23.2.
Variant type: single nucleotide variant.
Coding change: c.689+10G>A on transcript NM_007078.3 (MANE Select); 10 bases into the intron after coding-DNA position 689, G replaced by A.
Molecular consequence: intron variant.
Genome position (GRCh38, 1-based): chr10:86,681,813, G>A. VCF-style: chr10-86681813-G-A. GRCh37 (hg19) VCF-style: chr10-88441570-G-A.
Other names: c.321+1656G>A (NM_001080116.1, NM_001368068.1, NM_001368066.1 and 2 more transcripts); c.689+10G>A (NM_001368064.1, NM_001368063.1, NM_001171610.2 and 4 more transcripts).
Identifiers: ClinVar variation 45552 (VCV000045552.44), dbSNP rs45563234, ClinGen allele CA136624.

ClinVar aggregate classification (germline): Benign/Likely benign. Review status: criteria provided, multiple submitters, no conflicts (2 of 4 stars). 16 submissions from 16 submitters: Benign (5); Likely benign (5). 6 of the submissions do not count toward it. Last evaluated 2026-01-25.

Conditions:
LDB3-related disorder. Also called: LDB3-related condition.
Myofibrillar myopathy 4. Also called: Zaspopathy (type). Identifiers: Orphanet 98912, MedGen C4721886, MONDO:0012277, OMIM 609452.
Dilated cardiomyopathy 1C (CMD1C). Also called: CARDIOMYOPATHY, DILATED, 1C, WITH OR WITHOUT LEFT VENTRICULAR NONCOMPACTION; Cardiomyopathy, dilated, 1C, with or without LVNC. Identifiers: Orphanet 154, Orphanet 54260, MedGen C1832244, MONDO:0011094, OMIM 601493.

Allele frequency attached by ClinVar (database versions not stated): gnomAD 0.00125 and 0.00130; TOPMed 0.00138; ESP Exome Variant Server 0.00146; gnomAD exomes 0.00127; ExAC 0.00147; 1000 Genomes Project 0.00020; 1000 Genomes Project 30x 0.00031.
gnomAD v4.1: 2,925 of 1,586,166 alleles (0.18%); highest among the groups gnomAD compares: South Asian, 0.33%; 6 homozygotes.

Submissions (16):

Labcorp Genetics (formerly Invitae), Labcorp
Classification: Likely benign for Myofibrillar myopathy 4. Last evaluated: 2026-01-25. Review status: criteria provided, single submitter. Criteria: Invitae Variant Classification Sherloc (09022015). Collection method: clinical testing. Allele origin: germline.

ARUP Laboratories, Molecular Genetics and Genomics, ARUP Laboratories
Classification: Benign. Last evaluated: 2025-06-23. Review status: criteria provided, single submitter. Criteria: ARUP Molecular Germline Variant Investigation Process 2024. Collection method: clinical testing. Allele origin: germline.

Blueprint Genetics
Classification: Likely benign. Last evaluated: 2024-11-20. Review status: criteria provided, single submitter. Criteria: ACMG Guidelines, 2015. Collection method: clinical testing. Allele origin: germline.

Fulgent Genetics
Classification: Likely benign for Dilated cardiomyopathy 1C; Myofibrillar myopathy 4. Last evaluated: 2021-08-18. Review status: criteria provided, single submitter. Criteria: ACMG Guidelines, 2015. Collection method: clinical testing. Allele origin: unknown.

Women's Health and Genetics/Laboratory Corporation of America, LabCorp
Classification: Benign. Last evaluated: 2020-07-27. Review status: criteria provided, single submitter. Criteria: LabCorp Variant Classification Summary - May 2015. Collection method: clinical testing. Allele origin: germline.
Comment: Variant summary: LDB3 c.689+10G>A alters a non-conserved nucleotide located close to a canonical splice site and therefore could affect mRNA splicing, leading to a significantly altered protein sequence. 3/4 computational tools predict no significant impact on normal splicing. However, these predictions have yet to be confirmed by functional studies. The variant allele was found at a frequency of 0.0013 in 254596 control chromosomes, predominantly at a frequency of 0.0028 within the South Asian subpopulation in the gnomAD database, including 1 homozygote. The observed variant frequency within South Asian control individuals in the gnomAD database is approximately 112 fold of the estimated maximal expected allele frequency for a pathogenic variant in LDB3 causing Cardiomyopathy phenotype (2.5e-05), strongly suggesting that the variant is a benign polymorphism found primarily in populations of South Asian origin. To our knowledge, no experimental evidence demonstrating its impact on protein function have been reported. Three ClinVar submitters (evaluation after 2014) cite the variant as benign (1x) and likely benign (2x). Based on the evidence outlined above, the variant was classified as benign.

Athena Diagnostics
Classification: Benign. Last evaluated: 2020-03-19. Review status: criteria provided, single submitter. Criteria: Athena Diagnostics Criteria. Collection method: clinical testing. Allele origin: unknown.

Laboratory for Molecular Medicine, Mass General Brigham Personalized Medicine
Classification: Benign. Last evaluated: 2017-08-23. Review status: criteria provided, single submitter. Criteria: LMM Criteria. Collection method: clinical testing. Allele origin: germline. Observed: 8 variant alleles.
Comment: c.689+10G>A in intron 04 of LDB3: This variant is not expected to have clinical significance because it is not located within the splice consensus sequence and has been identified in 0.3% (67/24532) of South Asian chromosomes, including 1 h omozygote, by the Genome Aggregation Database (gnomAD; dbSNP rs45563234).

Eurofins Ntd Llc (ga)
Classification: Likely benign. Last evaluated: 2016-03-04. Review status: criteria provided, single submitter. Criteria: EGL Classification Definitions 2015. Collection method: clinical testing. Allele origin: germline. Observed: 1 variant allele, 1 heterozygote.

GeneDx
Classification: Benign. Last evaluated: 2015-03-03. Review status: criteria provided, single submitter. Criteria: GeneDx Variant Classification Process June 2021. Collection method: clinical testing. Allele origin: germline. Affected: yes.

Breakthrough Genomics
Classification: Likely benign. Review status: criteria provided, single submitter. Criteria: ACMG Guidelines, 2015. Collection method: not provided. Allele origin: germline. Inheritance: Autosomal dominant inheritance. Affected: yes.

PreventionGenetics, part of Exact Sciences
Classification: Likely benign for LDB3-related condition. Last evaluated: 2020-11-26. Review status: no assertion criteria provided. Collection method: clinical testing. Allele origin: germline. Not counted in ClinVar's aggregate classification.
Comment: This variant is classified as likely benign based on ACMG/AMP sequence variant interpretation guidelines (Richards et al. 2015 PMID: 25741868, with internal and published modifications).

Clinical Genetics DNA and cytogenetics Diagnostics Lab, Erasmus MC, Erasmus Medical Center
Classification: Benign. Review status: no assertion criteria provided. Collection method: clinical testing. Allele origin: germline. Affected: yes. Study: VKGL Data-share Consensus. Not counted in ClinVar's aggregate classification.

Clinical Genetics, Academic Medical Center
Classification: Benign. Review status: no assertion criteria provided. Collection method: clinical testing. Allele origin: germline. Affected: yes. Study: VKGL Data-share Consensus. Not counted in ClinVar's aggregate classification.

Diagnostic Laboratory, Department of Genetics, University Medical Center Groningen
Classification: Likely benign. Review status: no assertion criteria provided. Collection method: clinical testing. Allele origin: germline. Affected: yes. Study: VKGL Data-share Consensus. Not counted in ClinVar's aggregate classification.

Genome Diagnostics Laboratory, University Medical Center Utrecht
Classification: Likely benign. Review status: no assertion criteria provided. Collection method: clinical testing. Allele origin: germline. Affected: yes. Study: VKGL Data-share Consensus. Not counted in ClinVar's aggregate classification.

Laboratory of Diagnostic Genome Analysis, Leiden University Medical Center (LUMC)
Classification: Likely benign. Review status: no assertion criteria provided. Collection method: clinical testing. Allele origin: germline. Affected: yes. Study: VKGL Data-share Consensus. Not counted in ClinVar's aggregate classification.